The following is an entry in ClinVar:

ClinVar aggregate classification (germline): Likely benign (0 of 4 stars; one submission).

Conditions:
TUB-related disorder. Also called: TUB-related condition.

gnomAD v4.1: 1 of 1,613,622 alleles (0.000062%); highest among the groups gnomAD compares: Admixed American, 0.0017%; no homozygotes.

Submission:

PreventionGenetics, part of Exact Sciences
Classification: Likely benign for TUB-related condition. Last evaluated: 2023-03-26. Review status: no assertion criteria provided. Collection method: clinical testing. Allele origin: germline.
Comment: This variant is classified as likely benign based on ACMG/AMP sequence variant interpretation guidelines (Richards et al. 2015 PMID: 25741868, with internal and published modifications).

NM_177972.3(TUB):c.168C>T (p.Pro56=)

Gene: TUB (TUB bipartite transcription factor; plus strand). Cytogenetic location: 11p15.4.
Variant type: single nucleotide variant.
Coding change: c.168C>T on transcript NM_177972.3 (MANE Select); coding-DNA position 168, C replaced by T.
Protein change: p.Pro56=; no amino-acid change (proline 56 retained).
Molecular consequence: synonymous variant.
Genome position (GRCh38, 1-based): chr11:8,090,146, C>T. VCF-style: chr11-8090146-C-T. GRCh37 (hg19) VCF-style: chr11-8111693-C-T.
Other names: c.333C>T, p.Pro111= (NM_003320.5).
Identifiers: ClinVar variation 3358761 (VCV003358761.1).
Genomic context (GRCh38, chr11:8,090,146, plus strand): 5'-GAAGCAGAAGAAGAAGCGCCAGGAGCCCCTGATGGTGCAGGCCAATGCAGATGGGCGGCC[C>T]CGGAGCCGGCGGGCCCGGCAGTCAGAGGAACAAGCCCCCCTGGTGGAGTCCTACCTCAGC-3'
Protein context (NP_813977.1, residues 46-66): LMVQANADGR[Pro56=]RSRRARQSEE